The following is an entry in ClinVar:

ClinVar aggregate classification (germline): Pathogenic (1 of 4 stars; one submission).

Conditions:
Birt-Hogg-Dube syndrome. Also called: Birt Hogg Dubé syndrome. Identifiers: Orphanet 122, MedGen C0346010, MONDO:0800444.

Submission:

Labcorp Genetics (formerly Invitae), Labcorp
Classification: Pathogenic for Birt-Hogg-Dube syndrome. Last evaluated: 2019-10-22. Review status: criteria provided, single submitter. Criteria: Invitae Variant Classification Sherloc (09022015). Collection method: clinical testing. Allele origin: germline.
Comment: For these reasons, this variant has been classified as Pathogenic. Loss-of-function variants in FLCN are known to be pathogenic (PMID: 15852235). This variant has not been reported in the literature in individuals with FLCN-related conditions. This variant is not present in population databases (ExAC no frequency). This sequence change creates a premature translational stop signal (p.Trp376*) in the FLCN gene. It is expected to result in an absent or disrupted protein product.

Literature cited by the submitters: PubMed 15852235.

NM_144997.7(FLCN):c.1128G>A (p.Trp376Ter)

Gene: FLCN (folliculin; minus strand). Cytogenetic location: 17p11.2.
Variant type: single nucleotide variant.
Coding change: c.1128G>A on transcript NM_144997.7 (MANE Select); coding-DNA position 1128, G replaced by A.
Protein change: p.Trp376Ter; replaces tryptophan 376 with a stop codon.
Molecular consequence: nonsense.
Genome position (GRCh38, 1-based): chr17:17,217,117, C>T on the plus strand (G>A on the coding strand, the complement: FLCN is on the minus strand). VCF-style: chr17-17217117-C-T. GRCh37 (hg19) VCF-style: chr17-17120431-C-T.
Other names: c.1182G>A, p.Trp394Ter (NM_001353229.2); c.1128G>A, p.Trp376Ter (NM_001353230.2, NM_001353231.2); short protein forms W394*, W376*.
Identifiers: ClinVar variation 960732 (VCV000960732.7), dbSNP rs2046950183, ClinGen allele CA398532268.